The following is an entry in ClinVar:

ClinVar aggregate classification (germline): Uncertain significance (1 of 4 stars; one submission).

gnomAD v4.1: 1 of 1,565,480 alleles (0.000064%); no homozygotes.

Submission:

Women's Health and Genetics/Laboratory Corporation of America, LabCorp
Classification: Uncertain significance. Last evaluated: 2025-11-18. Review status: criteria provided, single submitter. Criteria: LabCorp Variant Classification Summary - May 2015. Collection method: clinical testing. Allele origin: germline.
Comment: Variant summary: COL3A1 c.1549C>A (p.Pro517Thr) results in a non-conservative amino acid change in the encoded protein sequence. Algorithms developed to predict the effect of missense changes on protein structure and function all suggest that this variant is likely to be disruptive. The variant was absent in 175832 control chromosomes. The available data on variant occurrences in the general population are insufficient to allow any conclusion about variant significance. To our knowledge, no occurrence of c.1549C>A in individuals affected with COL3A1-related conditions and no experimental evidence demonstrating its impact on protein function have been reported. No submitters have cited clinical-significance assessments for this variant to ClinVar. Based on the evidence outlined above, the variant was classified as uncertain significance.

NM_000090.4(COL3A1):c.1549C>A (p.Pro517Thr)

Gene: COL3A1 (collagen type III alpha 1 chain; plus strand). Cytogenetic location: 2q32.2.
Variant type: single nucleotide variant.
Coding change: c.1549C>A on transcript NM_000090.4 (MANE Select); coding-DNA position 1549, C replaced by A.
Protein change: p.Pro517Thr; replaces proline 517 with threonine.
Molecular consequence: missense variant.
Genome position (GRCh38, 1-based): chr2:188,995,731, C>A. VCF-style: chr2-188995731-C-A. GRCh37 (hg19) VCF-style: chr2-189860457-C-A.
Other names: short protein forms P517T.
Identifiers: ClinVar variation 4537349 (VCV004537349.1).
Genomic context (GRCh38, chr2:188,995,731, plus strand): 5'-AAAATTTCTTTCACTACTTAGGGTCCTGCTGGAGAGCGTGGTGCTCCAGGCCCTGCAGGG[C>A]CCAGAGGAGCTGCTGGAGAACCTGGCAGAGATGGCGTCCCTGGAGGTCCAGGAATGAGGG-3'
Protein context (NP_000081.2, residues 507-527): GERGAPGPAG[Pro517Thr]RGAAGEPGRD